The following is an entry in ClinVar:

NM_014625.4(NPHS2):c.*428A>G

Genes: NPHS2 (NPHS2 stomatin family member, podocin; minus strand), AXDND1 (axonemal dynein light chain domain containing 1; plus strand). Cytogenetic location: 1q25.2.
Variant type: single nucleotide variant.
Coding change: c.*428A>G on transcript NM_014625.4 (MANE Select); 428 bases downstream of the stop codon, A replaced by G.
Molecular consequence: 3 prime UTR variant. On other transcripts: intron variant (1).
Genome position (GRCh38, 1-based): chr1:179,550,745, T>C on the plus strand (A>G on the coding strand, the complement: NPHS2 is on the minus strand). VCF-style: chr1-179550745-T-C. GRCh37 (hg19) VCF-style: chr1-179519880-T-C.
Other names: c.*428A>G (NM_001297575.2); c.3032-3767T>C (NM_144696.6).
Identifiers: ClinVar variation 224486 (VCV000224486.6), dbSNP rs1060775, ClinGen allele CA354127.
Genomic context (GRCh38, chr1:179,550,745, plus strand): 5'-TTGAGTGTGGTTGAGGAAAACTAAGACTTGGTAGTATCATTGGAGAGAAGACTGCATCTT[T>C]GGGACAGAAGAGCAATAGAGTGTGACAAGCCCAATGATAGGTGCTTGTAGGAAGGGCTGT-3'

ClinVar aggregate classification (germline): Benign. Review status: criteria provided, multiple submitters, no conflicts (2 of 4 stars). 3 submissions from 3 submitters: Benign (2). 1 of the submissions does not count toward it. Last evaluated 2018-01-13.

Conditions:
Nephrotic syndrome, type 2 (NPHS2). Also called: NEPHROTIC SYNDROME, STEROID-RESISTANT, AUTOSOMAL RECESSIVE. Identifiers: Orphanet 656, MedGen C1868672, MONDO:0010974, OMIM 600995.

Allele frequency attached by ClinVar (database versions not stated): 1000 Genomes Project 0.90176; 1000 Genomes Project 30x 0.90303; gnomAD 0.90386 and 0.90481; TOPMed 0.90391; gnomAD exomes 0.92902.
gnomAD v4.1: 200,658 of 220,034 alleles (91%); highest among the groups gnomAD compares: East Asian, 96%; 91,734 homozygotes.

Submissions (3):

Illumina Laboratory Services, Illumina
Classification: Benign for Nephrotic syndrome, type 2. Last evaluated: 2018-01-13. Review status: criteria provided, single submitter. Criteria: ICSL Variant Classification Criteria 13 December 2019. Collection method: clinical testing. Allele origin: germline.
Comment: This variant was observed in the ICSL laboratory as part of a predisposition screen in an ostensibly healthy population. It had not been previously curated by ICSL or reported in the Human Gene Mutation Database (HGMD: prior to June 1st, 2018), and was therefore a candidate for classification through an automated scoring system. Utilizing variant allele frequency, disease prevalence and penetrance estimates, and inheritance mode, an automated score was calculated to assess if this variant is too frequent to cause the disease. Based on the score and internal cut-off values, a variant classified as benign is not then subjected to further curation. The score for this variant resulted in a classification of benign for this disease.

Breakthrough Genomics
Classification: Benign. Review status: criteria provided, single submitter. Criteria: ACMG Guidelines, 2015. Collection method: not provided. Allele origin: germline. Inheritance: Autosomal recessive inheritance. Affected: yes.

Human Genetics Disease in Children – Taif University, Taif University
Classification: Benign for Nephrotic syndrome, type 2. Last evaluated: 2016-01-01. Review status: no assertion criteria provided. Collection method: clinical testing. Allele origin: unknown. Affected: yes. Not counted in ClinVar's aggregate classification.